The following is an entry in ClinVar:

NM_004035.7(ACOX1):c.1668G>C (p.Arg556Ser)

Gene: ACOX1 (acyl-CoA oxidase 1; minus strand). Cytogenetic location: 17q25.1.
Variant type: single nucleotide variant.
Coding change: c.1668G>C on transcript NM_004035.7 (MANE Select); coding-DNA position 1668, G replaced by C.
Protein change: p.Arg556Ser; replaces arginine 556 with serine.
Molecular consequence: missense variant.
Genome position (GRCh38, 1-based): chr17:75,949,277, C>G on the plus strand (G>C on the coding strand, the complement: ACOX1 is on the minus strand). VCF-style: chr17-75949277-C-G. GRCh37 (hg19) VCF-style: chr17-73945358-C-G.
Other names: c.1554G>C, p.Arg518Ser (NM_001185039.2); c.1668G>C, p.Arg556Ser (NM_007292.6); c.1668G>C (NM_004035.6); short protein forms R518S, R556S.
Identifiers: ClinVar variation 1380775 (VCV001380775.10), dbSNP rs1449232218, ClinGen allele CA401059912.
Genomic context (GRCh38, chr17:75,949,277, plus strand): 5'-CTGAAGGAAATCCCCCGCGTTCTGACTGATTCCATACAGAGAATACAGCAGACATAAACT[C>G]CTTAAGACAGCTTGAATGGCTTTATCTTGAATTTTGAGGAGTTTTTCTGAAAAGAGCTTA-3'
Protein context (NP_004026.2, residues 546-566): IQDKAIQAVL[Arg556Ser]SLCLLYSLYG

ClinVar aggregate classification (germline): Conflicting classifications of pathogenicity. Review status: criteria provided, conflicting classifications (1 of 4 stars). 4 submissions from 4 submitters: Uncertain significance (2); Likely benign (1). 1 of the submissions does not count toward it. Last evaluated 2025-07-10.

Conditions:
ACOX1-related disorder. Also called: ACOX1-related disorders; ACOX1-related condition.
Inborn genetic diseases. Identifiers: MedGen C0950123, MeSH D030342.
Acyl-CoA oxidase deficiency. Also called: STRAIGHT-CHAIN ACYL-CoA OXIDASE DEFICIENCY; Pseudoneonatal adrenoleukodystrophy; Peroxisomal acyl-CoA oxidase deficiency. Identifiers: Orphanet 2971, MedGen C1849678, MONDO:0009919, OMIM 264470. Disease mechanism: loss of function.

Allele frequency attached by ClinVar (database versions not stated): gnomAD 0.00001; gnomAD exomes 0.00003; TOPMed 0.00004.
gnomAD v4.1: 42 of 1,614,078 alleles (0.0026%); highest among the groups gnomAD compares: Middle Eastern, 0.016%; no homozygotes.

Submissions (4):

Ambry Genetics
Classification: Likely benign for Inborn genetic diseases. Last evaluated: 2025-07-10. Review status: criteria provided, single submitter. Criteria: Ambry Variant Classification Scheme 2023. Collection method: clinical testing. Allele origin: germline.

Labcorp Genetics (formerly Invitae), Labcorp
Classification: Uncertain significance for Acyl-CoA oxidase deficiency. Last evaluated: 2022-09-27. Review status: criteria provided, single submitter. Criteria: Invitae Variant Classification Sherloc (09022015). Collection method: clinical testing. Allele origin: germline.
Comment: This sequence change replaces arginine, which is basic and polar, with serine, which is neutral and polar, at codon 556 of the ACOX1 protein (p.Arg556Ser). This variant is present in population databases (no rsID available, gnomAD 0.01%). This variant has not been reported in the literature in individuals affected with ACOX1-related conditions. ClinVar contains an entry for this variant (Variation ID: 1380775). Advanced modeling of protein sequence and biophysical properties (such as structural, functional, and spatial information, amino acid conservation, physicochemical variation, residue mobility, and thermodynamic stability) performed at Invitae indicates that this missense variant is not expected to disrupt ACOX1 protein function. In summary, the available evidence is currently insufficient to determine the role of this variant in disease. Therefore, it has been classified as a Variant of Uncertain Significance.

Breakthrough Genomics
Classification: Uncertain significance. Review status: criteria provided, single submitter. Criteria: ACMG Guidelines, 2015. Collection method: not provided. Allele origin: germline. Inheritance: Autosomal recessive inheritance. Affected: yes.

PreventionGenetics, part of Exact Sciences
Classification: Uncertain significance for ACOX1-related condition. Last evaluated: 2024-07-12. Review status: no assertion criteria provided. Collection method: clinical testing. Allele origin: germline. Not counted in ClinVar's aggregate classification.
Comment: The ACOX1 c.1668G>C variant is predicted to result in the amino acid substitution p.Arg556Ser. To our knowledge, this variant has not been reported in the literature. This variant is reported in 0.017% of alleles in individuals of Latino descent in gnomAD. At this time, the clinical significance of this variant is uncertain due to the absence of conclusive functional and genetic evidence.